The following is an entry in ClinVar:

ClinVar aggregate classification (germline): Uncertain significance (1 of 4 stars; one submission).

Submission:

Ambry Genetics
Classification: Uncertain significance. Last evaluated: 2023-05-21. Review status: criteria provided, single submitter. Criteria: Ambry Variant Classification Scheme 2023. Collection method: clinical testing. Allele origin: germline.
Comment: The p.H1047P variant (also known as c.3140A>C), located in coding exon 1 of the MLH3 gene, results from an A to C substitution at nucleotide position 3140. The histidine at codon 1047 is replaced by proline, an amino acid with similar properties. This amino acid position is conserved. In addition, the in silico prediction for this alteration is inconclusive. Since supporting evidence is limited at this time, the clinical significance of this alteration remains unclear.

NM_001040108.2(MLH3):c.3140A>C (p.His1047Pro)

Gene: MLH3 (mutL homolog 3; minus strand). Cytogenetic location: 14q24.3.
Variant type: single nucleotide variant.
Coding change: c.3140A>C on transcript NM_001040108.2 (MANE Select); coding-DNA position 3140, A replaced by C.
Protein change: p.His1047Pro; replaces histidine 1047 with proline.
Molecular consequence: missense variant.
Genome position (GRCh38, 1-based): chr14:75,046,516, T>G on the plus strand (A>C on the coding strand, the complement: MLH3 is on the minus strand). VCF-style: chr14-75046516-T-G. GRCh37 (hg19) VCF-style: chr14-75513219-T-G.
Other names: c.3140A>C, p.His1047Pro (NM_014381.3); short protein forms H1047P.
Identifiers: ClinVar variation 2563571 (VCV002563571.2), dbSNP rs2503253194, ClinGen allele CA390435895.